The following is an entry in ClinVar:

NM_018979.4(WNK1):c.5116A>G (p.Thr1706Ala)

Gene: WNK1 (WNK lysine deficient protein kinase 1; plus strand). Cytogenetic location: 12p13.33.
Variant type: single nucleotide variant.
Coding change: c.5116A>G on transcript NM_018979.4 (MANE Select); coding-DNA position 5116, A replaced by G.
Protein change: p.Thr1706Ala; replaces threonine 1706 with alanine.
Molecular consequence: missense variant.
Genome position (GRCh38, 1-based): chr12:885,920, A>G. VCF-style: chr12-885920-A-G. GRCh37 (hg19) VCF-style: chr12-995086-A-G.
Other names: c.5896A>G, p.Thr1966Ala (NM_001184985.2); c.4375A>G, p.Thr1459Ala (NM_014823.3); c.5872A>G, p.Thr1958Ala (NM_213655.5); short protein forms T1459A, T1706A, T1958A, T1966A.
Identifiers: ClinVar variation 1750207 (VCV001750207.5), dbSNP rs1262070698, ClinGen allele CA383332629.

ClinVar aggregate classification (germline): Uncertain significance. Review status: criteria provided, multiple submitters, no conflicts (2 of 4 stars). 2 submissions from 2 submitters: Uncertain significance (2). Last evaluated 2024-08-31.

Conditions:
Neuropathy, hereditary sensory and autonomic, type 2A (HSAN2A). Also called: MORVAN DISEASE; NEUROPATHY, CONGENITAL SENSORY; NEUROPATHY, HEREDITARY SENSORY RADICULAR, AUTOSOMAL RECESSIVE; NEUROPATHY, HEREDITARY SENSORY, TYPE IIA; NEUROPATHY, PROGRESSIVE SENSORY, OF CHILDREN; ACROOSTEOLYSIS, GIACCAI TYPE. Identifiers: Orphanet 970, MedGen C2752089, MONDO:0024309, OMIM 201300.
Pseudohypoaldosteronism type 2C (PHA2C). Also called: Pseudohypoaldosteronism Type IIC. Identifiers: Orphanet 757, Orphanet 88940, MedGen C1840391, MONDO:0013778, OMIM 614492.
Inborn genetic diseases. Identifiers: MedGen C0950123, MeSH D030342.

Allele frequency attached by ClinVar (database versions not stated): gnomAD 0.00001; gnomAD exomes 0.00001; TOPMed 0.00001.
gnomAD v4.1: 10 of 1,604,144 alleles (0.00062%); highest among the groups gnomAD compares: Middle Eastern, 0.017%; no homozygotes.

Submissions (2):

Labcorp Genetics (formerly Invitae), Labcorp
Classification: Uncertain significance for Neuropathy, hereditary sensory and autonomic, type 2A; Pseudohypoaldosteronism type 2C. Last evaluated: 2024-08-31. Review status: criteria provided, single submitter. Criteria: Invitae Variant Classification Sherloc (09022015). Collection method: clinical testing. Allele origin: germline.
Comment: This sequence change replaces threonine, which is neutral and polar, with alanine, which is neutral and non-polar, at codon 1958 of the WNK1 protein (p.Thr1958Ala). This variant is not present in population databases (gnomAD no frequency). This variant has not been reported in the literature in individuals affected with WNK1-related conditions. ClinVar contains an entry for this variant (Variation ID: 1750207). Invitae Evidence Modeling of protein sequence and biophysical properties (such as structural, functional, and spatial information, amino acid conservation, physicochemical variation, residue mobility, and thermodynamic stability) indicates that this missense variant is not expected to disrupt WNK1 protein function with a negative predictive value of 95%. In summary, the available evidence is currently insufficient to determine the role of this variant in disease. Therefore, it has been classified as a Variant of Uncertain Significance.

Ambry Genetics
Classification: Uncertain significance for Inborn genetic diseases. Last evaluated: 2021-03-23. Review status: criteria provided, single submitter. Criteria: Ambry Variant Classification Scheme 2023. Collection method: clinical testing. Allele origin: germline.
Comment: The p.T1958A variant (also known as c.5872A>G), located in coding exon 19 of the WNK1 gene, results from an A to G substitution at nucleotide position 5872. The threonine at codon 1958 is replaced by alanine, an amino acid with similar properties. This amino acid position is well conserved in available vertebrate species. In addition, this alteration is predicted to be tolerated by in silico analysis. Since supporting evidence is limited at this time, the clinical significance of this alteration remains unclear.